The following is an entry in ClinVar:

NM_001252024.2(TRPM1):c.1157T>G (p.Leu386Arg)

Gene: TRPM1 (transient receptor potential cation channel subfamily M member 1; minus strand). Cytogenetic location: 15q13.3.
Variant type: single nucleotide variant.
Coding change: c.1157T>G on transcript NM_001252024.2 (MANE Select); coding-DNA position 1157, T replaced by G.
Protein change: p.Leu386Arg; replaces leucine 386 with arginine.
Molecular consequence: missense variant.
Genome position (GRCh38, 1-based): chr15:31,061,447, A>C on the plus strand (T>G on the coding strand, the complement: TRPM1 is on the minus strand). VCF-style: chr15-31061447-A-C. GRCh37 (hg19) VCF-style: chr15-31353650-A-C.
Other names: c.1208T>G, p.Leu403Arg (NM_001252020.2); c.1091T>G, p.Leu364Arg (NM_002420.6); short protein forms L386R, L364R, L403R.
Identifiers: ClinVar variation 1444264 (VCV001444264.7), dbSNP rs372608320, ClinGen allele CA7452678.
Genomic context (GRCh38, chr15:31,061,447, plus strand): 5'-TTGCCGGCTAGGCCAACATCAGAGGGACAGGAGTCACCATTTCCTGAGAGCTCACCTTTC[A>C]GCAGGGCAGTTAAAATTGCCATCTCGATGTCCTGCTGGCCCTCAGAACCCATTCTGAACA-3'
Protein context (NP_001238953.1, residues 376-396): DIEMAILTAL[Leu386Arg]KGTNVSAPDQ

ClinVar aggregate classification (germline): Uncertain significance. Review status: criteria provided, multiple submitters, no conflicts (2 of 4 stars). 2 submissions from 2 submitters: Uncertain significance (2). Last evaluated 2024-12-05.

Allele frequency attached by ClinVar (database versions not stated): gnomAD 0.00009; ExAC 0.00002; ESP Exome Variant Server 0.00016; 1000 Genomes Project 30x 0.00031; TOPMed 0.00014; gnomAD exomes 0.00001 and 0.00002; 1000 Genomes Project 0.00020.
gnomAD v4.1: 23 of 1,614,112 alleles (0.0014%); highest among the groups gnomAD compares: African/African-American, 0.025%; no homozygotes.

Submissions (2):

Dasa
Classification: Uncertain significance. Last evaluated: 2024-12-05. Review status: criteria provided, single submitter. Criteria: DASA Assertion Criteria. Collection method: clinical testing. Allele origin: germline.
Comment: NM_001252024.2(TRPM1):c.1157T>G (p.Leu386Arg) is a missense variant that results in the substitution of leucine with arginine. This variant has been observed in affected individuals with TRPM1-related disorders. Also, this variant is rare in population databases. Computational prediction algorithms are consistent with a deleterious effect. The currently available literature and clinical evidence are not sufficient to establish a definitive association between this variant and the reported condition. Therefore, this variant is classified as a variant of uncertain significance.

Labcorp Genetics (formerly Invitae), Labcorp
Classification: Uncertain significance. Last evaluated: 2022-08-23. Review status: criteria provided, single submitter. Criteria: Invitae Variant Classification Sherloc (09022015). Collection method: clinical testing. Allele origin: germline.
Comment: This sequence change replaces leucine, which is neutral and non-polar, with arginine, which is basic and polar, at codon 364 of the TRPM1 protein (p.Leu364Arg). This variant is present in population databases (rs372608320, gnomAD 0.02%). This missense change has been observed in individual(s) with congenital stationary night blindness (PMID: 19896109). ClinVar contains an entry for this variant (Variation ID: 1444264). Algorithms developed to predict the effect of missense changes on protein structure and function (SIFT, PolyPhen-2, Align-GVGD) all suggest that this variant is likely to be disruptive. In summary, the available evidence is currently insufficient to determine the role of this variant in disease. Therefore, it has been classified as a Variant of Uncertain Significance.

Literature cited by the submitters: PubMed 19896109 (cited by Labcorp Genetics (formerly Invitae), Labcorp).